The following is an entry in ClinVar:

ClinVar aggregate classification (germline): Conflicting classifications of pathogenicity. Review status: criteria provided, conflicting classifications (1 of 4 stars). 15 submissions from 15 submitters: Uncertain significance (6); Likely benign (7). 2 of the submissions do not count toward it. Last evaluated 2026-01-10.

Conditions:
Familial cancer of breast. Also called: Hereditary breast cancer; hereditary breast carcinoma; BREAST CANCER, FAMILIAL. Identifiers: Orphanet 227535, MedGen C0346153, MONDO:0016419, OMIM 114480. Disease mechanism: loss of function.
Breast-ovarian cancer, familial, susceptibility to, 1 (BROVCA1). Also called: OVARIAN CANCER, SUSCEPTIBILITY TO; BRCA1 Hereditary Breast and Ovarian Cancer. Identifiers: Orphanet 145, MedGen C2676676, MONDO:0011450, OMIM 604370. Disease mechanism: loss of function.
Fanconi anemia, complementation group S (FANCS). Identifiers: MedGen C4554406, MONDO:0054748, OMIM 617883.
Hereditary cancer-predisposing syndrome. Also called: Tumor predisposition; Neoplastic Syndromes, Hereditary; Hereditary Cancer Syndrome; Hereditary neoplastic syndrome. Identifiers: Orphanet 140162, MedGen C0027672, MeSH D009386, MONDO:0015356.
Hereditary breast ovarian cancer syndrome. Also called: Hereditary breast and ovarian cancer syndrome (HBOC); Hereditary breast and ovarian cancer syndrome; Hereditary breast and ovarian cancer; Hereditary breast and/or ovarian cancer syndrome; Breast and ovarian cancer; BRCA1- and BRCA2-Associated Hereditary Breast and Ovarian Cancer. Identifiers: Orphanet 145, MedGen C0677776, MeSH D061325, MONDO:0003582. Disease mechanism: loss of function.

Allele frequency attached by ClinVar (database versions not stated): gnomAD exomes below 0.00001 and 0.00001; ExAC 0.00001; TOPMed 0.00001.
gnomAD v4.1: 6 of 1,613,980 alleles (0.00037%); highest among the groups gnomAD compares: Middle Eastern, 0.016%; no homozygotes.

Submissions (15):

Labcorp Genetics (formerly Invitae), Labcorp
Classification: Likely benign for Hereditary breast ovarian cancer syndrome. Last evaluated: 2026-01-10. Review status: criteria provided, single submitter. Criteria: Invitae Variant Classification Sherloc (09022015). Collection method: clinical testing. Allele origin: germline.

Praxis Für Humangenetik, Biosciencia MVZ Labor Saar
Classification: Likely benign for Breast-ovarian cancer, familial, susceptibility to, 1. Last evaluated: 2025-11-11. Review status: criteria provided, single submitter. Criteria: ACMG Guidelines, 2015. Collection method: clinical testing. Allele origin: germline. Affected: no.
Comment: PM2, BP1, BP5

Dasa
Classification: Uncertain significance for Breast-ovarian cancer, familial, susceptibility to, 1. Last evaluated: 2025-03-31. Review status: criteria provided, single submitter. Criteria: DASA Assertion Criteria. Collection method: clinical testing. Allele origin: germline.
Comment: NM_007294.4(BRCA1):c.1772T>C (p.Ile591Thr) is a missense variant that results in the substitution of isoleucine with threonine. This variant is rare in population databases. The currently available literature and clinical evidence are not sufficient to establish a definitive association between this variant and the reported condition. Therefore, this variant is classified as a variant of uncertain significance.

Quest Diagnostics Nichols Institute San Juan Capistrano
Classification: Uncertain significance. Last evaluated: 2024-10-27. Review status: criteria provided, single submitter. Criteria: Quest Diagnostics criteria. Collection method: clinical testing. Allele origin: unknown.
Comment: The BRCA1 c.1772T>C (p.Ile591Thr) variant has been reported in the published literature in individuals affected with breast cancer (PMIDs: 37415649 (2023), 25777348 (2015), 22476429 (2012)) and gliobastomas (PMID: 26933808 (20016)). The frequency of this variant in the general population, 0.000008 (2/251098 chromosomes (Genome Aggregation Database)), is uninformative in the assessment of its pathogenicity. Analysis of this variant using bioinformatics tools for the prediction of the effect of amino acid changes on protein structure and function yielded conflicting predictions that this variant is benign or damaging. Based on the available information, we are unable to determine the clinical significance of this variant.

Blueprint Genetics
Classification: Uncertain significance. Last evaluated: 2024-09-09. Review status: criteria provided, single submitter. Criteria: ACMG Guidelines, 2015. Collection method: clinical testing. Allele origin: germline.

Women's Health and Genetics/Laboratory Corporation of America, LabCorp
Classification: Likely benign. Last evaluated: 2024-05-09. Review status: criteria provided, single submitter. Criteria: LabCorp Variant Classification Summary - May 2015. Collection method: clinical testing. Allele origin: germline.
Comment: Variant summary: BRCA1 c.1772T>C (p.Ile591Thr) results in a non-conservative amino acid change in the encoded protein sequence. Three of five in-silico tools predict a damaging effect of the variant on protein function. In addition, a report from the CAGI5 (fifth Critical Assessment of Genome Interpretation) challenge has classified this variant as likely benign in a prediction protocol that includes assessment of the impact of this variant on splicing and protein function using four sets of predictors (Padilla_2019, Cline_2019). The variant allele was found at a frequency of 8e-06 in 251098 control chromosomes (gnomAD). The available data on variant occurrences in the general population are insufficient to allow any conclusion about variant significance. c.1772T>C has been reported in the literature in individuals with personal and/or family history of breast cancer and other tumor phenotype(s), however without supporting evidence for causality (e.g. Kurian_2008, Lu_2012, ElSaghir_2015, Xiu_2016, Boga_2023). In a large study evaluating breast cancer cases and controls in the Breast Cancer Association Consortium (BCAC), the variant was reported in 1/60466 cases, but was also found in 2/53461 controls (Dorling_2021, reported through LOVD). These reports do not provide unequivocal conclusions about association of the variant with Hereditary Breast And Ovarian Cancer Syndrome. To our knowledge, no experimental evidence demonstrating an impact on protein function has been reported. However, a large-scale study utilizing multifactorial probability model for quantitative analysis of BRCA1 and BRCA2 variants predicted this variant to be likely benign (Parsons_2019). The following publications have been ascertained in the context of this evaluation (PMID: 25777348, 18779604, 22476429, 15385441, 28439188, 26933808, 33471991, 37415649, 34981296, 31112341, 31294896, 31131967). ClinVar contains an entry for this variant (Variation ID: 54345). Based on the evidence outlined above, the variant was classified as likely benign.

Institute for Biomarker Research, Medical Diagnostic Laboratories, L.L.C.
Classification: Uncertain significance for Hereditary breast ovarian cancer syndrome. Last evaluated: 2024-04-02. Review status: criteria provided, single submitter. Criteria: ACMG Guidelines, 2015. Collection method: clinical testing. Allele origin: germline.

University of Washington Department of Laboratory Medicine, University of Washington
Classification: Likely benign for Hereditary cancer-predisposing syndrome. Last evaluated: 2023-03-23. Review status: criteria provided, single submitter. Criteria: Dines et al. (Genet Med. 2020). Collection method: curation. Allele origin: germline.
Comment: Missense variant in a coldspot region where missense variants are very unlikely to be pathogenic (PMID:31911673).

BRCA1 coldspot (exon 11 using historical exon numbering). Reclassification based on statistical prior probability

CeGaT Center for Human Genetics Tuebingen
Classification: Uncertain significance. Last evaluated: 2022-05-01. Review status: criteria provided, single submitter. Criteria: Praxis fuer Humangenetik Tuebingen - Variant Classification Criteria. Collection method: clinical testing. Allele origin: germline. Affected: yes. Observed: 1 variant allele.

Color Diagnostics, LLC DBA Color Health
Classification: Likely benign for Hereditary cancer-predisposing syndrome. Last evaluated: 2022-04-08. Review status: criteria provided, single submitter. Criteria: ACMG Guidelines, 2015. Collection method: clinical testing. Allele origin: germline.

Department of Pathology and Laboratory Medicine, Sinai Health System
Classification: Uncertain significance for Familial cancer of breast; Breast-ovarian cancer, familial, susceptibility to, 1; Fanconi anemia, complementation group S. Last evaluated: 2020-05-13. Review status: criteria provided, single submitter. Criteria: ACMG Guidelines, 2015. Collection method: clinical testing. Allele origin: germline. Affected: yes.

Ambry Genetics
Classification: Likely benign for Hereditary cancer-predisposing syndrome. Last evaluated: 2018-11-06. Review status: criteria provided, single submitter. Criteria: Ambry Variant Classification Scheme 2023. Collection method: clinical testing. Allele origin: germline.

GeneDx
Classification: Likely benign. Last evaluated: 2017-10-30. Review status: criteria provided, single submitter. Criteria: GeneDx Variant Classification (06012015). Collection method: clinical testing. Allele origin: germline. Affected: yes.
Comment: This variant is considered likely benign or benign based on one or more of the following criteria: it is a conservative change, it occurs at a poorly conserved position in the protein, it is predicted to be benign by multiple in silico algorithms, and/or has population frequency not consistent with disease.

Sharing Clinical Reports Project (SCRP)
Classification: Benign for Breast-ovarian cancer, familial 1. Last evaluated: 2011-10-27. Review status: no assertion criteria provided. Collection method: clinical testing. Allele origin: germline. Not counted in ClinVar's aggregate classification.

Breast Cancer Information Core (BIC) (BRCA1)
Classification: Uncertain significance for Breast-ovarian cancer, familial 1. Last evaluated: 2003-12-23. Review status: no assertion criteria provided. Collection method: clinical testing. Allele origin: germline. Affected: yes. Observed: 2 variant alleles. Not counted in ClinVar's aggregate classification.

Literature cited by the submitters: PubMed 37415649 (cited by Quest Diagnostics Nichols Institute San Juan Capistrano and Women's Health and Genetics/Laboratory Corporation of America, LabCorp); PubMed 26933808 (cited by 3 submitters); PubMed 25777348 (cited by 3 submitters); PubMed 22476429 (cited by 3 submitters); PubMed 18779604 (cited by 3 submitters); PubMed 15385441 (cited by Quest Diagnostics Nichols Institute San Juan Capistrano and Women's Health and Genetics/Laboratory Corporation of America, LabCorp); PubMed 28439188 (cited by Women's Health and Genetics/Laboratory Corporation of America, LabCorp); PubMed 31131967 (cited by Women's Health and Genetics/Laboratory Corporation of America, LabCorp); PubMed 31112341 (cited by Women's Health and Genetics/Laboratory Corporation of America, LabCorp); PubMed 31294896 (cited by Women's Health and Genetics/Laboratory Corporation of America, LabCorp); PubMed 33471991 (cited by Women's Health and Genetics/Laboratory Corporation of America, LabCorp); PubMed 34981296 (cited by Women's Health and Genetics/Laboratory Corporation of America, LabCorp).

NM_007294.4(BRCA1):c.1772T>C (p.Ile591Thr)

Gene: BRCA1 (BRCA1 DNA repair associated; minus strand). Cytogenetic location: 17q21.31.
Variant type: single nucleotide variant.
Coding change: c.1772T>C on transcript NM_007294.4 (MANE Select); coding-DNA position 1772, T replaced by C.
Protein change: p.Ile591Thr; replaces isoleucine 591 with threonine.
Molecular consequence: missense variant. On other transcripts: intron variant (137).
Genome position (GRCh38, 1-based): chr17:43,093,759, A>G on the plus strand (T>C on the coding strand, the complement: BRCA1 is on the minus strand). VCF-style: chr17-43093759-A-G. GRCh37 (hg19) VCF-style: chr17-41245776-A-G.
Other names: 1891T>C; c.1559T>C, p.Ile520Thr (NM_001407571.1, NM_001407853.1, NM_001407894.1 and 9 more transcripts); c.1772T>C, p.Ile591Thr (NM_001407581.1, NM_001407582.1, NM_001407583.1 and 30 more transcripts); c.1769T>C, p.Ile590Thr (NM_001407587.1, NM_001407590.1, NM_001407591.1 and 22 more transcripts); c.1763T>C, p.Ile588Thr (NM_001407646.1, NM_001407647.1); c.1649T>C, p.Ile550Thr (NM_001407648.1, NM_001407664.1, NM_001407665.1 and 19 more transcripts); c.1646T>C, p.Ile549Thr (NM_001407649.1, NM_001407670.1, NM_001407671.1 and 11 more transcripts); c.1694T>C, p.Ile565Thr (NM_001407653.1, NM_001407654.1, NM_001407655.1 and 4 more transcripts); and 41 more; short protein forms I591T, I544T, I295T, I423T, I463T, I502T, I520T, I524T.
Identifiers: ClinVar variation 54345 (VCV000054345.35), dbSNP rs80356859, ClinGen allele CA001154.